The following is an entry in ClinVar:

ClinVar aggregate classification (germline): Benign/Likely benign. Review status: criteria provided, multiple submitters, no conflicts (2 of 4 stars). 3 submissions from 3 submitters: Benign (1); Likely benign (1). 1 of the submissions does not count toward it. Last evaluated 2026-01-29.

Conditions:
CC2D1A-related disorder. Also called: CC2D1A-related condition.

Allele frequency attached by ClinVar (database versions not stated): gnomAD exomes 0.00049 and 0.00123; ExAC 0.00141; ESP Exome Variant Server 0.00416; gnomAD 0.00506 and 0.00543; 1000 Genomes Project 0.00539; 1000 Genomes Project 30x 0.00593; TOPMed 0.00593.

Submissions (3):

Labcorp Genetics (formerly Invitae), Labcorp
Classification: Benign. Last evaluated: 2026-01-29. Review status: criteria provided, single submitter. Criteria: Invitae Variant Classification Sherloc (09022015). Collection method: clinical testing. Allele origin: germline.

Blueprint Genetics
Classification: Likely benign. Last evaluated: 2024-10-02. Review status: criteria provided, single submitter. Criteria: ACMG Guidelines, 2015. Collection method: clinical testing. Allele origin: germline.

PreventionGenetics, part of Exact Sciences
Classification: Benign for CC2D1A-related condition. Last evaluated: 2021-06-10. Review status: no assertion criteria provided. Collection method: clinical testing. Allele origin: germline. Not counted in ClinVar's aggregate classification.
Comment: This variant is classified as benign based on ACMG/AMP sequence variant interpretation guidelines (Richards et al. 2015 PMID: 25741868, with internal and published modifications).

NM_017721.5(CC2D1A):c.1642-8C>T

Gene: CC2D1A (coiled-coil and C2 domain containing 1A; plus strand). Cytogenetic location: 19p13.12.
Variant type: single nucleotide variant.
Coding change: c.1642-8C>T on transcript NM_017721.5 (MANE Select); 8 bases into the intron before coding-DNA position 1642, C replaced by T.
Molecular consequence: intron variant.
Genome position (GRCh38, 1-based): chr19:13,923,325, C>T. VCF-style: chr19-13923325-C-T. GRCh37 (hg19) VCF-style: chr19-14034138-C-T.
Identifiers: ClinVar variation 714884 (VCV000714884.10), dbSNP rs80078962, ClinGen allele CA9244750.
Genomic context (GRCh38, chr19:13,923,325, plus strand): 5'-ATTTCTGCAGAGCCCTAGGTGGGCCTGCTTGTCCTCCTTACCCCCGCCACCAGCCTCGTC[C>T]TCCCCAGGTGCCGCCTGCCCCTGTCAACAAGGACGACTTTGCCCTGGTCCAGCGGCCTGG-3'